The following is an entry in ClinVar:

ClinVar aggregate classification (germline): Uncertain significance. Review status: criteria provided, multiple submitters, no conflicts (2 of 4 stars). 2 submissions from 2 submitters: Uncertain significance (2). Last evaluated 2025-11-24.

Submissions (2):

Labcorp Genetics (formerly Invitae), Labcorp
Classification: Uncertain significance. Last evaluated: 2025-11-24. Review status: criteria provided, single submitter. Criteria: Invitae Variant Classification Sherloc (09022015). Collection method: clinical testing. Allele origin: germline.
Comment: This sequence change replaces aspartic acid, which is acidic and polar, with asparagine, which is neutral and polar, at codon 43 of the NPAT protein (p.Asp43Asn). This variant is present in population databases (rs780535360, gnomAD 0.03%). This variant has not been reported in the literature in individuals affected with NPAT-related conditions. ClinVar contains an entry for this variant (Variation ID: 4121979). An algorithm developed to predict the effect of missense changes on protein structure and function (PolyPhen-2) suggests that this variant is likely to be disruptive. In summary, the available evidence is currently insufficient to determine the role of this variant in disease. Therefore, it has been classified as a Variant of Uncertain Significance.

Ambry Genetics
Classification: Uncertain significance. Last evaluated: 2025-08-09. Review status: criteria provided, single submitter. Criteria: Ambry Variant Classification Scheme 2023. Collection method: clinical testing. Allele origin: germline.

NM_002519.3(NPAT):c.127G>A (p.Asp43Asn)

Gene: NPAT (nuclear protein, coactivator of histone transcription; minus strand). Cytogenetic location: 11q22.3.
Variant type: single nucleotide variant.
Coding change: c.127G>A on transcript NM_002519.3 (MANE Select); coding-DNA position 127, G replaced by A.
Protein change: p.Asp43Asn; replaces aspartic acid 43 with asparagine.
Molecular consequence: missense variant.
Genome position (GRCh38, 1-based): chr11:108,197,331, C>T on the plus strand (G>A on the coding strand, the complement: NPAT is on the minus strand). VCF-style: chr11-108197331-C-T. GRCh37 (hg19) VCF-style: chr11-108068058-C-T.
Other names: c.127G>A, p.Asp43Asn (NM_001321307.1); short protein forms D43N.
Identifiers: ClinVar variation 4121979 (VCV004121979.2).